The following is an entry in ClinVar:

ClinVar aggregate classification (germline): Uncertain significance. Review status: criteria provided, multiple submitters, no conflicts (2 of 4 stars). 2 submissions from 2 submitters: Uncertain significance (2). Last evaluated 2025-03-17.

Conditions:
Meckel-Gruber syndrome. Also called: Dysencephalia splachnocystica; DYSENCEPHALIA SPLANCHNOCYSTICA; GRUBER SYNDROME. Identifiers: Orphanet 564, MedGen C0265215, MONDO:0018921.
Joubert syndrome. Also called: JOUBERT-BOLTSHAUSER SYNDROME; Familial aplasia of the vermis. Identifiers: Orphanet 475, MedGen C5979921, MONDO:0018772.

Submissions (2):

Labcorp Genetics (formerly Invitae), Labcorp
Classification: Uncertain significance for Joubert syndrome; Meckel-Gruber syndrome. Last evaluated: 2025-03-17. Review status: criteria provided, single submitter. Criteria: Invitae Variant Classification Sherloc (09022015). Collection method: clinical testing. Allele origin: germline.
Comment: This variant, c.669_671del, results in the deletion of 1 amino acid(s) of the CC2D2A protein (p.Glu224del), but otherwise preserves the integrity of the reading frame. This variant is not present in population databases (gnomAD no frequency). This variant has not been reported in the literature in individuals affected with CC2D2A-related conditions. Experimental studies and prediction algorithms are not available or were not evaluated, and the functional significance of this variant is currently unknown. In summary, the available evidence is currently insufficient to determine the role of this variant in disease. Therefore, it has been classified as a Variant of Uncertain Significance.

Eurofins Ntd Llc (ga)
Classification: Uncertain significance. Last evaluated: 2016-11-21. Review status: criteria provided, single submitter. Criteria: EGL Classification Definitions 2015. Collection method: clinical testing. Allele origin: germline. Observed: 1 variant allele, 1 heterozygote.

NM_001378615.1(CC2D2A):c.663GGA[2] (p.Glu224del)

Genes: CC2D2A (coiled-coil and C2 domain containing 2A; plus strand), FBXL5 (F-box and leucine rich repeat protein 5; minus strand). Cytogenetic location: 4p15.32.
Variant type: Microsatellite.
Coding change: c.663GGA[2] on transcript NM_001378615.1 (MANE Select); two copies in a row of the 3-base unit GGA starting at c.663; the reference has three copies in a row; one copy, 3 bases deleted.
Protein change: p.Glu224del; deletes glutamic acid 224.
Molecular consequence: inframe deletion.
Genome position (GRCh38, 1-based): chr4:15,511,375-15,511,377, GGA deleted; deleting any 3 consecutive bases within chr4:15,511,367-15,511,377 gives the same sequence; the position shown is the placement nearest the transcript's 3' end. VCF-style (leftmost placement, unchanged base first): chr4-15511366-AGAG-A. GRCh37 (hg19) VCF-style: chr4-15512989-AGAG-A.
Other names: c.663GGA[2], p.Glu224del (NM_001080522.2); c.516GGA[2], p.Glu175del (NM_001378617.1); short protein forms E224del, E175del.
Identifiers: ClinVar variation 498702 (VCV000498702.10), dbSNP rs1553825978, ClinGen allele CA658796419.
Genomic context (GRCh38, chr4:15,511,366, plus strand): 5'-TCCCGAACCAGAAGGATCAGAGGAAAAACCAAAAGCAAGACATAGAGCGGGAACTAATCA[AGAG>A]GAGGAGGAAGGGGAAGAAGAAGAACCACCTGCACAAGGAGGAGGAAAGGAAATGGTATTT-3'